The following is an entry in ClinVar:

NM_004183.4(BEST1):c.362G>C (p.Gly121Ala)

Gene: BEST1 (bestrophin 1; plus strand). Cytogenetic location: 11q12.3.
Variant type: single nucleotide variant.
Coding change: c.362G>C on transcript NM_004183.4 (MANE Select); coding-DNA position 362, G replaced by C.
Protein change: p.Gly121Ala; replaces glycine 121 with alanine.
Molecular consequence: missense variant. On other transcripts: non-coding transcript variant (1).
Genome position (GRCh38, 1-based): chr11:61,955,832, G>C. VCF-style: chr11-61955832-G-C. GRCh37 (hg19) VCF-style: chr11-61723304-G-C.
Other names: c.182G>C, p.Gly61Ala (NM_001139443.3, NM_001300786.2, NM_001300787.2); c.44G>C, p.Gly15Ala (NM_001363591.3); c.362G>C, p.Gly121Ala (NM_001363592.2); c.-814G>C (NM_001363593.3); short protein forms G15A, G121A, G61A.
Identifiers: ClinVar variation 2137112 (VCV002137112.7), dbSNP rs1314618706, ClinGen allele CA380834702.

ClinVar aggregate classification (germline): Uncertain significance. Review status: criteria provided, multiple submitters, no conflicts (2 of 4 stars). 3 submissions from 3 submitters: Uncertain significance (3). Last evaluated 2024-04-05.

Conditions:
Autosomal dominant vitreoretinochoroidopathy. Also called: VITREORETINOCHOROIDOPATHY WITH MICROCORNEA, GLAUCOMA, AND CATARACT; VITREORETINOCHOROIDOPATHY, AUTOSOMAL DOMINANT, WITH NANOPHTHALMOS; Autosomal Dominant Vitreoretinochoroidopathy (ADVIRC). Identifiers: Orphanet 263347, Orphanet 3086, MedGen C3888099, MONDO:0008662, OMIM 193220.
Retinitis pigmentosa 50 (RP50). Also called: Retinitis pigmentosa, concentric. Identifiers: Orphanet 791, MedGen C2750789, MONDO:0013175, OMIM 613194.
Autosomal recessive bestrophinopathy. Also called: Autosomal Recessive Bestrophinopathy (ARB). Identifiers: Orphanet 139455, MedGen C3888198, MONDO:0012733, OMIM 611809.
Vitelliform macular dystrophy 2. Also called: VITELLIFORM MACULAR DYSTROPHY, EARLY-ONSET; VITELLIFORM MACULAR DYSTROPHY, JUVENILE-ONSET; Best vitelliform macular dystrophy, multifocal; MACULAR DEGENERATION, POLYMORPHIC VITELLINE; Best Macular Dystrophy; Best Vitelliform Macular Dystrophy (BVMD). Identifiers: Orphanet 1243, MedGen C2745945, MONDO:0007931, OMIM 153700.

Allele frequency attached by ClinVar (database versions not stated): gnomAD exomes below 0.00001; TOPMed 0.00002; gnomAD 0.00003.
gnomAD v4.1: 10 of 1,550,376 alleles (0.00065%); highest among the groups gnomAD compares: East Asian, 0.024%; no homozygotes.

Submissions (3):

Labcorp Genetics (formerly Invitae), Labcorp
Classification: Uncertain significance. Last evaluated: 2024-04-05. Review status: criteria provided, single submitter. Criteria: Invitae Variant Classification Sherloc (09022015). Collection method: clinical testing. Allele origin: germline.
Comment: This sequence change replaces glycine, which is neutral and non-polar, with alanine, which is neutral and non-polar, at codon 121 of the BEST1 protein (p.Gly121Ala). This variant is present in population databases (no rsID available, gnomAD 0.04%). This missense change has been observed in individual(s) with retinitis pigmentosa (PMID: 28512305). ClinVar contains an entry for this variant (Variation ID: 2137112). Advanced modeling of protein sequence and biophysical properties (such as structural, functional, and spatial information, amino acid conservation, physicochemical variation, residue mobility, and thermodynamic stability) performed at Invitae indicates that this missense variant is expected to disrupt BEST1 protein function with a positive predictive value of 95%. In summary, the available evidence is currently insufficient to determine the role of this variant in disease. Therefore, it has been classified as a Variant of Uncertain Significance.

Blueprint Genetics
Classification: Uncertain significance. Last evaluated: 2022-11-02. Review status: criteria provided, single submitter. Criteria: ACMG Guidelines, 2015. Collection method: clinical testing. Allele origin: germline.

Juno Genomics, Hangzhou Juno Genomics, Inc
Classification: Uncertain significance for Autosomal dominant vitreoretinochoroidopathy; Autosomal recessive bestrophinopathy; Vitelliform macular dystrophy 2; Retinitis pigmentosa 50. Review status: criteria provided, single submitter. Criteria: ACMG Guidelines, 2015. Collection method: clinical testing. Allele origin: germline. Affected: yes.
Comment: Absent from controls (or at extremely low frequency if recessive) in Genome Aggregation Database, Exome Sequencing Project, 1000 Genomes Project, or Exome Aggregation Consortium.;Multiple lines of computational evidence support a deleterious effect on the gene or gene product (conservation, evolutionary, splicing impact, etc).;The prevalence of the variant in affected individuals is significantly increased compared to the prevalence in controls.;Patient's phenotype or family history is highly specific for a disease with a single genetic etiology.

Literature cited by the submitters: PubMed 28512305 (cited by Labcorp Genetics (formerly Invitae), Labcorp).